The following is an entry in ClinVar:

ClinVar aggregate classification (germline): Uncertain significance (1 of 4 stars; one submission).

Conditions:
Hereditary cancer-predisposing syndrome. Also called: Neoplastic Syndromes, Hereditary; Tumor predisposition; Hereditary Cancer Syndrome; Hereditary neoplastic syndrome. Identifiers: Orphanet 140162, MedGen C0027672, MeSH D009386, MONDO:0015356.

Submissions (2):

Color Diagnostics, LLC DBA Color Health
Classification: Uncertain significance for Hereditary cancer-predisposing syndrome. Last evaluated: 2022-03-17. Review status: criteria provided, single submitter. Criteria: ACMG Guidelines, 2015. Collection method: clinical testing. Allele origin: germline.
Comment: This missense variant replaces glutamic acid with lysine at codon 23 of the BRCA1 protein. Computational prediction suggests that this variant may have deleterious impact on protein structure and function (internally defined REVEL score threshold >= 0.7, PMID: 27666373). A functional study has reported that this variant does not impact BRCA1 function in a haploid human cell proliferation assay (PMID: 30209399). This variant has been reported in an individual with personal or family history of breast and/or ovarian cancer (PMID: 14722926). This variant has not been identified in the general population by the Genome Aggregation Database (gnomAD). The available evidence is insufficient to determine the role of this variant in disease conclusively. Therefore, this variant is classified as a Variant of Uncertain Significance.

Brotman Baty Institute, University of Washington
No classification provided (evidence only). Condition: Breast-ovarian cancer, familial 1. Review status: no classification provided. Collection method: in vitro. Allele origin: not applicable. Functional consequence: functionally_normal. Not counted in ClinVar's aggregate classification.
ClinVar note: "not provided" was previously submitted as the classification for the variant. However, the classification appeared to be based only on an observation of functional data so it was converted to no classification on 2025-07-30.

Literature cited by the submitters: PubMed 14722926 (cited by Color Diagnostics, LLC DBA Color Health); PubMed 30209399 (cited by Color Diagnostics, LLC DBA Color Health).

NM_007294.4(BRCA1):c.67G>A (p.Glu23Lys)

Gene: BRCA1 (BRCA1 DNA repair associated; minus strand). Cytogenetic location: 17q21.31.
Variant type: single nucleotide variant.
Coding change: c.67G>A on transcript NM_007294.4 (MANE Select); coding-DNA position 67, G replaced by A.
Protein change: p.Glu23Lys; replaces glutamic acid 23 with lysine.
Molecular consequence: missense variant. On other transcripts: 5 prime UTR variant (1), non-coding transcript variant (1).
Genome position (GRCh38, 1-based): chr17:43,124,030, C>T on the plus strand (G>A on the coding strand, the complement: BRCA1 is on the minus strand). VCF-style: chr17-43124030-C-T. GRCh37 (hg19) VCF-style: chr17-41276047-C-T.
Other names: c.67G>A, p.Glu23Lys (NM_001407655.1, NM_001407656.1, NM_001407657.1 and 193 more transcripts); c.-191G>A (NM_001407694.1, NM_001407724.1, NM_001407727.1 and 11 more transcripts); c.-195G>A (NM_001407695.1, NM_001408465.1); c.-336G>A (NM_001407696.1); c.-220G>A (NM_001407697.1, NM_001407846.1, NM_001407920.1); c.-21G>A (NM_001407698.1, NM_001407732.1, NM_001407736.1 and 23 more transcripts); c.-194G>A (NM_001407725.1, NM_001407730.1, NM_001407734.1 and 22 more transcripts); c.-140G>A (NM_001407726.1, NM_001407751.1); and 8 more; short protein forms E23K.
Identifiers: ClinVar variation 867739 (VCV000867739.5), dbSNP rs372047427, ClinGen allele CA10602024.